The following is an entry in ClinVar:

ClinVar aggregate classification (germline): Uncertain significance (0 of 4 stars; one submission).

Conditions:
PCNT-related disorder. Also called: PCNT-related condition.

Allele frequency attached by ClinVar (database versions not stated): gnomAD 0.00002; gnomAD exomes 0.00002; TOPMed 0.00002; ExAC 0.00008.
gnomAD v4.1: 36 of 1,608,732 alleles (0.0022%); highest among the groups gnomAD compares: East Asian, 0.027%; no homozygotes.

Submission:

PreventionGenetics, part of Exact Sciences
Classification: Uncertain significance for PCNT-related condition. Last evaluated: 2024-01-31. Review status: no assertion criteria provided. Collection method: clinical testing. Allele origin: germline.
Comment: The PCNT c.4072G>A variant is predicted to result in the amino acid substitution p.Glu1358Lys. To our knowledge, this variant has not been reported in the literature. This variant is reported in 0.045% of alleles in individuals of East Asian descent in gnomAD. At this time, the clinical significance of this variant is uncertain due to the absence of conclusive functional and genetic evidence.

NM_006031.6(PCNT):c.4072G>A (p.Glu1358Lys)

Gene: PCNT (pericentrin; plus strand). Cytogenetic location: 21q22.3.
Variant type: single nucleotide variant.
Coding change: c.4072G>A on transcript NM_006031.6 (MANE Select); coding-DNA position 4072, G replaced by A.
Protein change: p.Glu1358Lys; replaces glutamic acid 1358 with lysine.
Molecular consequence: missense variant.
Genome position (GRCh38, 1-based): chr21:46,391,232, G>A. VCF-style: chr21-46391232-G-A. GRCh37 (hg19) VCF-style: chr21-47811147-G-A.
Other names: c.3718G>A, p.Glu1240Lys (NM_001315529.2); short protein forms E1240K, E1358K.
Identifiers: ClinVar variation 3032708 (VCV003032708.2), dbSNP rs772844734, ClinGen allele CA10079528.
Genomic context (GRCh38, chr21:46,391,232, plus strand): 5'-GAGGGATTCAAGGTGGAGACAGCAGATCTGAAGGAGGTGCTGGCCGGGAAGGAGGATTCC[G>A]AGCACCGTCTGGTGCTGGAGCTGGAGAGCCTGAGACGGCAGCTGCAGCAGGCGGCCCAGG-3'
Protein context (NP_006022.3, residues 1348-1368): KEVLAGKEDS[Glu1358Lys]HRLVLELESL